The following is an entry in ClinVar:

ClinVar aggregate classification (germline): Uncertain significance. Review status: criteria provided, multiple submitters, no conflicts (2 of 4 stars). 2 submissions from 2 submitters: Uncertain significance (2). Last evaluated 2025-07-22.

Conditions:
Inborn genetic diseases. Identifiers: MedGen C0950123, MeSH D030342.

Submissions (2):

Ambry Genetics
Classification: Uncertain significance for Inborn genetic diseases. Last evaluated: 2025-07-22. Review status: criteria provided, single submitter. Criteria: Ambry Variant Classification Scheme 2023. Collection method: clinical testing. Allele origin: germline.
Comment: The p.C316Y variant (also known as c.947G>A), located in coding exon 3 of the GATA2 gene, results from a G to A substitution at nucleotide position 947. The cysteine at codon 316 is replaced by tyrosine, an amino acid with highly dissimilar properties. This amino acid position is highly conserved in available vertebrate species. In addition, this alteration is predicted to be deleterious by in silico analysis. Based on the available evidence, the clinical significance of this variant remains unclear.

Blueprint Genetics
Classification: Uncertain significance. Last evaluated: 2024-11-11. Review status: criteria provided, single submitter. Criteria: ACMG Guidelines, 2015. Collection method: clinical testing. Allele origin: germline.

NM_032638.5(GATA2):c.947G>A (p.Cys316Tyr)

Gene: GATA2 (GATA binding protein 2; minus strand). Cytogenetic location: 3q21.3.
Variant type: single nucleotide variant.
Coding change: c.947G>A on transcript NM_032638.5 (MANE Select); coding-DNA position 947, G replaced by A.
Protein change: p.Cys316Tyr; replaces cysteine 316 with tyrosine.
Molecular consequence: missense variant.
Genome position (GRCh38, 1-based): chr3:128,483,930, C>T on the plus strand (G>A on the coding strand, the complement: GATA2 is on the minus strand). VCF-style: chr3-128483930-C-T. GRCh37 (hg19) VCF-style: chr3-128202773-C-T.
Other names: c.947G>A, p.Cys316Tyr (NM_001145661.2, NM_001145662.1); short protein forms C316Y.
Identifiers: ClinVar variation 4262125 (VCV004262125.2).
Genomic context (GRCh38, chr3:128,483,930, plus strand): 5'-TTGGGCTTGATGAGTGGTCGGTTCTGCCCATTCATCTTGTGGTAGAGGCCACAGGCATTG[C>T]ACAGGTAGTGGCCGGTGCCGTCCCGCCGCCAGAGAGGGGTGGCTGTGGCCCCACAGTTGA-3'
Protein context (NP_116027.2, residues 306-326): WRRDGTGHYL[Cys316Tyr]NACGLYHKMN